The following is an entry in ClinVar:

NM_000059.4(BRCA2):c.8496G>T (p.Glu2832Asp)

Gene: BRCA2 (BRCA2 DNA repair associated; plus strand). Cytogenetic location: 13q13.1.
Variant type: single nucleotide variant.
Coding change: c.8496G>T on transcript NM_000059.4 (MANE Select); coding-DNA position 8496, G replaced by T.
Protein change: p.Glu2832Asp; replaces glutamic acid 2832 with aspartic acid.
Molecular consequence: missense variant. On other transcripts: non-coding transcript variant (1).
Genome position (GRCh38, 1-based): chr13:32,370,964, G>T. VCF-style: chr13-32370964-G-T. GRCh37 (hg19) VCF-style: chr13-32945101-G-T.
Other names: c.8400G>T, p.Glu2800Asp (NM_001406719.1); c.8496G>T, p.Glu2832Asp (NM_001406720.1, NM_001432077.1); c.3564G>T, p.Glu1188Asp (NM_001406721.1); c.2079G>T, p.Glu693Asp (NM_001406722.1); short protein forms E1188D, E2800D, E2832D, E693D.
Identifiers: ClinVar variation 4867833 (VCV004867833.1).
Genomic context (GRCh38, chr13:32,370,964, plus strand): 5'-ACTTGAATGTTATATATGTGACTTTTTTGGTGTGTGTAACACATTATTACAGTGGATGGA[G>T]AAGACATCATCTGGATTATACATATTTCGCAATGAAAGAGAGGAAGAAAAGGAAGCAGCA-3'
Protein context (NP_000050.3, residues 2822-2842): IQRAYPIQWM[Glu2832Asp]KTSSGLYIFR

ClinVar aggregate classification (germline): Uncertain significance (1 of 4 stars; one submission).

Conditions:
Hereditary cancer-predisposing syndrome. Also called: Neoplastic Syndromes, Hereditary; Tumor predisposition; Hereditary Cancer Syndrome; Hereditary neoplastic syndrome. Identifiers: Orphanet 140162, MedGen C0027672, MeSH D009386, MONDO:0015356.

Submission:

Ambry Genetics
Classification: Uncertain significance for Hereditary cancer-predisposing syndrome. Last evaluated: 2026-04-22. Review status: criteria provided, single submitter. Criteria: Ambry Variant Classification Scheme 2023. Collection method: clinical testing. Allele origin: germline.
Comment: The p.E2832D variant (also known as c.8496G>T), located in coding exon 19 of the BRCA2 gene, results from a G to T substitution at nucleotide position 8496. The glutamic acid at codon 2832 is replaced by aspartic acid, an amino acid with highly similar properties. The results from two saturation genome editing-based studies, including a haploid cell-survival assay and a humanized mouse embryonic stem cell line assay of drug response and survival, are indeterminate for this nucleotide substitution (Huang H et al. Nature. 2025 Feb;638(8050):528-537; Sahu S et al. Nature. 2025 Feb;638(8050):538-545).This amino acid position is highly conserved in available vertebrate species. In addition, the in silico prediction for this alteration is inconclusive. Based on the available evidence, the clinical significance of this variant remains unclear.

Literature cited by the submitters: PubMed 39779848; PubMed 39779857.